The following is an entry in ClinVar:

NM_000278.5(PAX2):c.263C>G (p.Pro88Arg)

Gene: PAX2 (paired box 2; plus strand). Cytogenetic location: 10q24.31.
Variant type: single nucleotide variant.
Coding change: c.263C>G on transcript NM_000278.5 (MANE Select); coding-DNA position 263, C replaced by G.
Protein change: p.Pro88Arg; replaces proline 88 with arginine.
Molecular consequence: missense variant.
Genome position (GRCh38, 1-based): chr10:100,750,744, C>G. VCF-style: chr10-100750744-C-G. GRCh37 (hg19) VCF-style: chr10-102510501-C-G.
Other names: c.356C>G, p.Pro119Arg (NM_001304569.2); c.263C>G, p.Pro88Arg (NM_003987.5, NM_003988.5, NM_003989.5 and 1 more transcripts); short protein forms P119R, P88R.
Identifiers: ClinVar variation 2681744 (VCV002681744.2), dbSNP rs1845410479.

ClinVar aggregate classification (germline): Pathogenic (1 of 4 stars; one submission).

Conditions:
Focal segmental glomerulosclerosis 7 (FSGS7). Identifiers: Orphanet 656, MedGen C4014925, MONDO:0014451, OMIM 616002.

Submission:

Precision Medicine Center, Zhengzhou University
Classification: Pathogenic for Focal segmental glomerulosclerosis 7. Last evaluated: 2023-12-01. Review status: criteria provided, single submitter. Criteria: ACMG Guidelines, 2015. Collection method: clinical testing. Allele origin: de novo. Affected: yes.
Comment: PS2, PM2_p,PP3,PP4

Literature cited by the submitters: PubMed 31027891.